The following is an entry in ClinVar:

NM_000245.4(MET):c.2234A>G (p.Tyr745Cys)

Gene: MET (MET proto-oncogene, receptor tyrosine kinase; plus strand). Cytogenetic location: 7q31.2.
Variant type: single nucleotide variant.
Coding change: c.2234A>G on transcript NM_000245.4 (MANE Select); coding-DNA position 2234, A replaced by G.
Protein change: p.Tyr745Cys; replaces tyrosine 745 with cysteine.
Molecular consequence: missense variant.
Genome position (GRCh38, 1-based): chr7:116,758,590, A>G. VCF-style: chr7-116758590-A-G. GRCh37 (hg19) VCF-style: chr7-116398644-A-G.
Other names: c.2234A>G, p.Tyr745Cys (NM_001127500.3, NM_001324401.3); c.944A>G, p.Tyr315Cys (NM_001324402.2); short protein forms Y745C, Y315C.
Identifiers: ClinVar variation 1788159 (VCV001788159.5), dbSNP rs1794278950, ClinGen allele CA368980814.

ClinVar aggregate classification (germline): Uncertain significance. Review status: criteria provided, multiple submitters, no conflicts (2 of 4 stars). 2 submissions from 2 submitters: Uncertain significance (2). Last evaluated 2023-08-27.

Conditions:
Hereditary cancer-predisposing syndrome. Also called: Neoplastic Syndromes, Hereditary; Tumor predisposition; Hereditary Cancer Syndrome; Hereditary neoplastic syndrome. Identifiers: Orphanet 140162, MedGen C0027672, MeSH D009386, MONDO:0015356.
Renal cell carcinoma. Identifiers: Orphanet 217071, MedGen C0007134, MeSH D002292, MONDO:0005086, HP:0005584.

Allele frequency attached by ClinVar (database versions not stated): gnomAD exomes below 0.00001.
gnomAD v4.1: 1 of 1,613,862 alleles (0.000062%); no homozygotes.

Submissions (2):

Labcorp Genetics (formerly Invitae), Labcorp
Classification: Uncertain significance for Renal cell carcinoma. Last evaluated: 2023-08-27. Review status: criteria provided, single submitter. Criteria: Invitae Variant Classification Sherloc (09022015). Collection method: clinical testing. Allele origin: germline.
Comment: This variant is not present in population databases (gnomAD no frequency). This sequence change replaces tyrosine, which is neutral and polar, with cysteine, which is neutral and slightly polar, at codon 745 of the MET protein (p.Tyr745Cys). In summary, the available evidence is currently insufficient to determine the role of this variant in disease. Therefore, it has been classified as a Variant of Uncertain Significance. Advanced modeling of protein sequence and biophysical properties (such as structural, functional, and spatial information, amino acid conservation, physicochemical variation, residue mobility, and thermodynamic stability) performed at Invitae indicates that this missense variant is not expected to disrupt MET protein function. ClinVar contains an entry for this variant (Variation ID: 1788159). This variant has not been reported in the literature in individuals affected with MET-related conditions.

Ambry Genetics
Classification: Uncertain significance for Hereditary cancer-predisposing syndrome. Last evaluated: 2020-03-20. Review status: criteria provided, single submitter. Criteria: Ambry Variant Classification Scheme 2023. Collection method: clinical testing. Allele origin: germline.
Comment: The p.Y745C variant (also known as c.2234A>G), located in coding exon 8 of the MET gene, results from an A to G substitution at nucleotide position 2234. The tyrosine at codon 745 is replaced by cysteine, an amino acid with highly dissimilar properties. This amino acid position is poorly conserved in available vertebrate species. In addition, this alteration is predicted to be tolerated by in silico analysis. Since supporting evidence is limited at this time, the clinical significance of this alteration remains unclear.